The following is an entry in ClinVar:

NM_017875.4(SLC25A38):c.276+13C>A

Gene: SLC25A38 (solute carrier family 25 member 38; plus strand). Cytogenetic location: 3p22.1.
Variant type: single nucleotide variant.
Coding change: c.276+13C>A on transcript NM_017875.4 (MANE Select); 13 bases into the intron after coding-DNA position 276, C replaced by A.
Molecular consequence: intron variant.
Genome position (GRCh38, 1-based): chr3:39,390,520, C>A. VCF-style: chr3-39390520-C-A. GRCh37 (hg19) VCF-style: chr3-39432011-C-A.
Other names: c.276+13C>A (NM_001354798.2, LRG_1133t1).
Identifiers: ClinVar variation 381884 (VCV000381884.4), dbSNP rs928399170, ClinGen allele CA16604587.

ClinVar aggregate classification (germline): Likely benign. Review status: criteria provided, multiple submitters, no conflicts (2 of 4 stars). 3 submissions from 3 submitters: Likely benign (3). Last evaluated 2024-08-28.

Allele frequency attached by ClinVar (database versions not stated): gnomAD exomes 0.00002; gnomAD 0.00003 and 0.00005; TOPMed 0.00004.
gnomAD v4.1: 48 of 1,613,720 alleles (0.003%); highest among the groups gnomAD compares: Non-Finnish European, 0.0035%; no homozygotes.

Submissions (3):

Labcorp Genetics (formerly Invitae), Labcorp
Classification: Likely benign. Last evaluated: 2024-08-28. Review status: criteria provided, single submitter. Criteria: Invitae Variant Classification Sherloc (09022015). Collection method: clinical testing. Allele origin: germline.

Blueprint Genetics
Classification: Likely benign. Last evaluated: 2022-03-24. Review status: criteria provided, single submitter. Criteria: ACMG Guidelines, 2015. Collection method: clinical testing. Allele origin: germline.

GeneDx
Classification: Likely benign. Last evaluated: 2016-01-14. Review status: criteria provided, single submitter. Criteria: GeneDx Variant Classification (06012015). Collection method: clinical testing. Allele origin: germline. Affected: yes.
Comment: This variant is considered likely benign or benign based on one or more of the following criteria: it is a conservative change, it occurs at a poorly conserved position in the protein, it is predicted to be benign by multiple in silico algorithms, and/or has population frequency not consistent with disease.